The following is an entry in ClinVar:

NM_002150.3(HPD):c.415T>A (p.Tyr139Asn)

Genes: TIALD (transcript inducer of AURKA lysosomal degradation; plus strand), HPD (4-hydroxyphenylpyruvate dioxygenase; minus strand). Cytogenetic location: 12q24.31.
Variant type: single nucleotide variant.
Coding change: c.415T>A on transcript NM_002150.3 (MANE Select); coding-DNA position 415, T replaced by A.
Protein change: p.Tyr139Asn; replaces tyrosine 139 with asparagine.
Molecular consequence: missense variant.
Genome position (GRCh38, 1-based): chr12:121,849,790, A>T on the plus strand (T>A on the coding strand, the complement: HPD is on the minus strand). VCF-style: chr12-121849790-A-T. GRCh37 (hg19) VCF-style: chr12-122287696-A-T.
Other names: c.298T>A, p.Tyr100Asn (NM_001171993.2); short protein forms Y139N, Y100N.
Identifiers: ClinVar variation 970298 (VCV000970298.10), dbSNP rs1877705055, ClinGen allele CA387018086.
Genomic context (GRCh38, chr12:121,849,790, plus strand): 5'-CAGGCAAGAATTGGCCGATGTAGTTCATCTTCTCCACCAGGGTGTGTGTGGTGTCCCCAT[A>T]CTACGGGTGGAAAACAGCCTGGCTCGGCCCCTGGGCACCCATCCCCGCCGAGGACAGAGC-3'
Protein context (NP_002141.2, residues 129-149): GKVKFAVLQT[Tyr139Asn]GDTTHTLVEK

ClinVar aggregate classification (germline): Uncertain significance (1 of 4 stars; one submission).

Conditions:
Hawkinsinuria. Identifiers: Orphanet 2118, MedGen C2931042, MONDO:0007700, OMIM 140350, HP:0034457.
Tyrosinemia type III. Also called: 4-HYDROXYPHENYLPYRUVIC ACID OXIDASE DEFICIENCY; Tyrosinemia type 3; 4-alpha hydroxyphenylpyruvic acid oxidase deficiency; 4-alpha hydroxyphenylpyruvate dioxygenase deficiency; 4-Hydroxyphenylpyruvate dioxygenase deficiency. Identifiers: Orphanet 69723, MedGen C0268623, MONDO:0010162, OMIM 276710.

Allele frequency attached by ClinVar (database versions not stated): gnomAD exomes below 0.00001; gnomAD 0.00001.
gnomAD v4.1: 5 of 1,609,452 alleles (0.00031%); highest among the groups gnomAD compares: South Asian, 0.0044%; 1 homozygote.

Submission:

Labcorp Genetics (formerly Invitae), Labcorp
Classification: Uncertain significance for Tyrosinemia type III; Hawkinsinuria. Last evaluated: 2019-11-11. Review status: criteria provided, single submitter. Criteria: Invitae Variant Classification Sherloc (09022015). Collection method: clinical testing. Allele origin: germline.
Comment: In summary, the available evidence is currently insufficient to determine the role of this variant in disease. Therefore, it has been classified as a Variant of Uncertain Significance. Algorithms developed to predict the effect of missense changes on protein structure and function are either unavailable or do not agree on the potential impact of this missense change (SIFT: "Deleterious"; PolyPhen-2: "Probably Damaging"; Align-GVGD: "Class C0"). This variant has not been reported in the literature in individuals with HPD-related conditions. This variant is not present in population databases (ExAC no frequency). This sequence change replaces tyrosine with asparagine at codon 139 of the HPD protein (p.Tyr139Asn). The tyrosine residue is highly conserved and there is a large physicochemical difference between tyrosine and asparagine.